The following is an entry in ClinVar:

NM_145239.3(PRRT2):c.-65-28_-65-7dup

Genes: MVP-DT (MVP divergent transcript; minus strand), PRRT2 (proline rich transmembrane protein 2; plus strand). Cytogenetic location: 16p11.2.
Variant type: Duplication.
Coding change: c.-65-28_-65-7dup on transcript NM_145239.3 (MANE Select); 28 bases into the intron before 65 bases upstream of the start codon through 7 bases into the intron before 65 bases upstream of the start codon, 22 bases duplicated (ACCCCAAGCCTATCTCCTCCTC).
Molecular consequence: intron variant.
Genome position (GRCh38, 1-based): chr16:29,812,962-29,812,983, ACCCCAAGCCTATCTCCTCCTC duplicated; duplicating any 22 consecutive bases within chr16:29,812,955-29,812,983 gives the same sequence; the c. name uses the placement nearest the transcript's 3' end. VCF-style (leftmost placement, unchanged base first): chr16-29812954-C-CCCTCCTCACCCCAAGCCTATCT. GRCh37 (hg19) VCF-style: chr16-29824275-C-CCCTCCTCACCCCAAGCCTATCT.
Other names: c.-65-28_-65-7dupACCCCAAGCCTATCTCCTCCTC (NM_145239.2); c.-65-28_-65-7dup (NM_001256443.2, NM_001256442.2).
Identifiers: ClinVar variation 422999 (VCV000422999.1), dbSNP rs1064796153, ClinGen allele CA16620187.

ClinVar aggregate classification (germline): Likely benign (1 of 4 stars; one submission).

Submission:

GeneDx
Classification: Likely benign. Last evaluated: 2017-01-11. Review status: criteria provided, single submitter. Criteria: GeneDx Variant Classification (06012015). Collection method: clinical testing. Allele origin: germline. Affected: yes.
Comment: This variant is considered likely benign or benign based on one or more of the following criteria: it is a conservative change, it occurs at a poorly conserved position in the protein, it is predicted to be benign by multiple in silico algorithms, and/or has population frequency not consistent with disease.